The following is an entry in ClinVar:

NM_005732.4(RAD50):c.1105T>A (p.Ser369Thr)

Gene: RAD50 (RAD50 double strand break repair protein; plus strand). Cytogenetic location: 5q31.1.
Variant type: single nucleotide variant.
Coding change: c.1105T>A on transcript NM_005732.4 (MANE Select); coding-DNA position 1105, T replaced by A.
Protein change: p.Ser369Thr; replaces serine 369 with threonine.
Molecular consequence: missense variant.
Genome position (GRCh38, 1-based): chr5:132,588,740, T>A. VCF-style: chr5-132588740-T-A. GRCh37 (hg19) VCF-style: chr5-131924432-T-A.
Other names: short protein forms S369T.
Identifiers: ClinVar variation 4824496 (VCV004824496.1).

ClinVar aggregate classification (germline): Uncertain significance (1 of 4 stars; one submission).

Conditions:
Hereditary cancer-predisposing syndrome. Also called: Neoplastic Syndromes, Hereditary; Hereditary neoplastic syndrome; Tumor predisposition; Hereditary Cancer Syndrome. Identifiers: Orphanet 140162, MedGen C0027672, MeSH D009386, MONDO:0015356.

gnomAD v4.1: 1 of 1,613,958 alleles (0.000062%); highest among the groups gnomAD compares: Admixed American, 0.0017%; no homozygotes.

Submission:

Ambry Genetics
Classification: Uncertain significance for Hereditary cancer-predisposing syndrome. Last evaluated: 2026-01-20. Review status: criteria provided, single submitter. Criteria: Ambry Variant Classification Scheme 2023. Collection method: clinical testing. Allele origin: germline.
Comment: The p.S369T variant (also known as c.1105T>A), located in coding exon 8 of the RAD50 gene, results from a T to A substitution at nucleotide position 1105. The serine at codon 369 is replaced by threonine, an amino acid with similar properties. This amino acid position is conserved. In addition, this alteration is predicted to be tolerated by in silico analysis. Based on the available evidence, the clinical significance of this variant remains unclear.